The following is an entry in ClinVar:

ClinVar aggregate classification (germline): Uncertain significance. Review status: criteria provided, single submitter (1 of 4 stars). 2 submissions from 2 submitters: Uncertain significance (1). 1 of the submissions does not count toward it. Last evaluated 2022-09-12.

Conditions:
Spastic paraplegia. Identifiers: MedGen C0037772, HP:0001258.
Charlevoix-Saguenay spastic ataxia (SACS). Also called: AUTOSOMAL RECESSIVE SPASTIC ATAXIA OF CHARLEVOIX-SAGUENAY; SPASTIC ATAXIA 6, AUTOSOMAL RECESSIVE; Spastic ataxia of Charlevoix-Saguenay. Identifiers: Orphanet 98, MedGen C1849140, MONDO:0010041, OMIM 270550.

Allele frequency attached by ClinVar (database versions not stated): gnomAD 0.00001; gnomAD exomes below 0.00001; ExAC 0.00001; TOPMed 0.00005.
gnomAD v4.1: 16 of 1,613,740 alleles (0.00099%); highest among the groups gnomAD compares: Middle Eastern, 0.033%; no homozygotes.

Submissions (2):

Labcorp Genetics (formerly Invitae), Labcorp
Classification: Uncertain significance for Spastic paraplegia. Last evaluated: 2022-09-12. Review status: criteria provided, single submitter. Criteria: Invitae Variant Classification Sherloc (09022015). Collection method: clinical testing. Allele origin: germline.
Comment: This sequence change replaces histidine, which is basic and polar, with aspartic acid, which is acidic and polar, at codon 2986 of the SACS protein (p.His2986Asp). This variant is present in population databases (rs751888795, gnomAD 0.003%). This missense change has been observed in individual(s) with spastic ataxia (PMID: 28454995). ClinVar contains an entry for this variant (Variation ID: 558044). Advanced modeling of protein sequence and biophysical properties (such as structural, functional, and spatial information, amino acid conservation, physicochemical variation, residue mobility, and thermodynamic stability) performed at Invitae indicates that this missense variant is not expected to disrupt SACS protein function. In summary, the available evidence is currently insufficient to determine the role of this variant in disease. Therefore, it has been classified as a Variant of Uncertain Significance.

Counsyl
Classification: Uncertain significance for Charlevoix-Saguenay spastic ataxia. Last evaluated: 2018-04-25. Review status: no assertion criteria provided. Collection method: clinical testing. Allele origin: unknown. Not counted in ClinVar's aggregate classification.

Literature cited by the submitters: PubMed 28454995 (cited by Labcorp Genetics (formerly Invitae), Labcorp and Counsyl).

NM_014363.6(SACS):c.8956C>G (p.His2986Asp)

Gene: SACS (sacsin molecular chaperone; minus strand). Cytogenetic location: 13q12.12.
Variant type: single nucleotide variant.
Coding change: c.8956C>G on transcript NM_014363.6 (MANE Select); coding-DNA position 8956, C replaced by G.
Protein change: p.His2986Asp; replaces histidine 2986 with aspartic acid.
Molecular consequence: missense variant.
Genome position (GRCh38, 1-based): chr13:23,334,920, G>C on the plus strand (C>G on the coding strand, the complement: SACS is on the minus strand). VCF-style: chr13-23334920-G-C. GRCh37 (hg19) VCF-style: chr13-23909059-G-C.
Other names: c.8515C>G, p.His2839Asp (NM_001278055.2); short protein forms H2986D, H2839D.
Identifiers: ClinVar variation 558044 (VCV000558044.4), dbSNP rs751888795, ClinGen allele CA6910690.